The following is an entry in ClinVar:

ClinVar aggregate classification (germline): Uncertain significance (1 of 4 stars; one submission).

Conditions:
Cardiovascular phenotype. Identifiers: MedGen CN230736.

gnomAD v4.1: 5 of 1,611,346 alleles (0.00031%); highest among the groups gnomAD compares: Admixed American, 0.0017%; no homozygotes.

Submission:

Ambry Genetics
Classification: Uncertain significance for Cardiovascular phenotype. Last evaluated: 2026-03-12. Review status: criteria provided, single submitter. Criteria: Ambry Variant Classification Scheme 2023. Collection method: clinical testing. Allele origin: germline.
Comment: The p.P110Q variant (also known as c.329C>A), located in coding exon 3 of the ANKRD1 gene, results from a C to A substitution at nucleotide position 329. The proline at codon 110 is replaced by glutamine, an amino acid with similar properties. This amino acid position is conserved. In addition, the in silico prediction for this alteration is inconclusive. Based on the available evidence, the clinical significance of this variant remains unclear.

NM_014391.3(ANKRD1):c.329C>A (p.Pro110Gln)

Gene: ANKRD1 (ankyrin repeat domain 1; minus strand). Cytogenetic location: 10q23.31.
Variant type: single nucleotide variant.
Coding change: c.329C>A on transcript NM_014391.3 (MANE Select); coding-DNA position 329, C replaced by A.
Protein change: p.Pro110Gln; replaces proline 110 with glutamine.
Molecular consequence: missense variant.
Genome position (GRCh38, 1-based): chr10:90,919,147, G>T on the plus strand (C>A on the coding strand, the complement: ANKRD1 is on the minus strand). VCF-style: chr10-90919147-G-T. GRCh37 (hg19) VCF-style: chr10-92678904-G-T.
Other names: short protein forms P110Q.
Identifiers: ClinVar variation 4826346 (VCV004826346.1).